The following is an entry in ClinVar:

NM_000245.4(MET):c.2605G>A (p.Ala869Thr)

Gene: MET (MET proto-oncogene, receptor tyrosine kinase; plus strand). Cytogenetic location: 7q31.2.
Variant type: single nucleotide variant.
Coding change: c.2605G>A on transcript NM_000245.4 (MANE Select); coding-DNA position 2605, G replaced by A.
Protein change: p.Ala869Thr; replaces alanine 869 with threonine.
Molecular consequence: missense variant.
Genome position (GRCh38, 1-based): chr7:116,769,666, G>A. VCF-style: chr7-116769666-G-A. GRCh37 (hg19) VCF-style: chr7-116409720-G-A.
Other names: c.2659G>A, p.Ala887Thr (NM_001127500.3); c.2605G>A, p.Ala869Thr (NM_001324401.3); c.1315G>A, p.Ala439Thr (NM_001324402.2); short protein forms A439T, A887T, A869T.
Identifiers: ClinVar variation 3294388 (VCV003294388.1).

ClinVar aggregate classification (germline): Uncertain significance (1 of 4 stars; one submission).

Conditions:
Hereditary cancer-predisposing syndrome. Also called: Tumor predisposition; Hereditary Cancer Syndrome; Hereditary neoplastic syndrome; Neoplastic Syndromes, Hereditary. Identifiers: Orphanet 140162, MedGen C0027672, MeSH D009386, MONDO:0015356.

Submission:

Ambry Genetics
Classification: Uncertain significance for Hereditary cancer-predisposing syndrome. Last evaluated: 2024-06-22. Review status: criteria provided, single submitter. Criteria: Ambry Variant Classification Scheme 2023. Collection method: clinical testing. Allele origin: germline.
Comment: The p.A887T variant (also known as c.2659G>A), located in coding exon 11 of the MET gene, results from a G to A substitution at nucleotide position 2659. The alanine at codon 887 is replaced by threonine, an amino acid with similar properties. This amino acid position is conserved. In addition, the in silico prediction for this alteration is inconclusive. Based on the available evidence, the clinical significance of this variant remains unclear.